The following is an entry in ClinVar:

ClinVar aggregate classification (germline): Uncertain significance (1 of 4 stars; one submission).

Allele frequency attached by ClinVar (database versions not stated): gnomAD 0.00001; TOPMed 0.00001.
gnomAD v4.1: 2 of 1,613,966 alleles (0.00012%); highest among the groups gnomAD compares: Non-Finnish European, 0.00017%; no homozygotes.

Submission:

Labcorp Genetics (formerly Invitae), Labcorp
Classification: Uncertain significance. Last evaluated: 2022-07-26. Review status: criteria provided, single submitter. Criteria: Invitae Variant Classification Sherloc (09022015). Collection method: clinical testing. Allele origin: germline.
Comment: This sequence change replaces proline, which is neutral and non-polar, with threonine, which is neutral and polar, at codon 139 of the RNF216 protein (p.Pro139Thr). In summary, the available evidence is currently insufficient to determine the role of this variant in disease. Therefore, it has been classified as a Variant of Uncertain Significance. Algorithms developed to predict the effect of missense changes on protein structure and function (SIFT, PolyPhen-2, Align-GVGD) all suggest that this variant is likely to be tolerated. This variant has not been reported in the literature in individuals affected with RNF216-related conditions. This variant is present in population databases (no rsID available, gnomAD 0.002%).

NM_207111.4(RNF216):c.415C>A (p.Pro139Thr)

Gene: RNF216 (ring finger protein 216; minus strand). Cytogenetic location: 7p22.1.
Variant type: single nucleotide variant.
Coding change: c.415C>A on transcript NM_207111.4 (MANE Select); coding-DNA position 415, C replaced by A.
Protein change: p.Pro139Thr; replaces proline 139 with threonine.
Molecular consequence: missense variant.
Genome position (GRCh38, 1-based): chr7:5,741,602, G>T on the plus strand (C>A on the coding strand, the complement: RNF216 is on the minus strand). VCF-style: chr7-5741602-G-T. GRCh37 (hg19) VCF-style: chr7-5781233-G-T.
Other names: c.244C>A, p.Pro82Thr (NM_001377156.1, NM_207116.3); short protein forms P82T, P139T.
Identifiers: ClinVar variation 1921864 (VCV001921864.5), dbSNP rs1321587830, ClinGen allele CA366736684.